The following is an entry in ClinVar:

NM_001621.5(AHR):c.1549C>T (p.Pro517Ser)

Gene: AHR (aryl hydrocarbon receptor; plus strand). Cytogenetic location: 7p21.1.
Variant type: single nucleotide variant.
Coding change: c.1549C>T on transcript NM_001621.5 (MANE Select); coding-DNA position 1549, C replaced by T.
Protein change: p.Pro517Ser; replaces proline 517 with serine.
Molecular consequence: missense variant.
Genome position (GRCh38, 1-based): chr7:17,339,374, C>T. VCF-style: chr7-17339374-C-T. GRCh37 (hg19) VCF-style: chr7-17378998-C-T.
Other names: c.1549C>T (NM_001621.4); short protein forms P517S.
Identifiers: ClinVar variation 1154601 (VCV001154601.11), dbSNP rs72552768, ClinGen allele CA4172145.

ClinVar aggregate classification (germline): Likely benign. Review status: criteria provided, single submitter (1 of 4 stars). 2 submissions from 2 submitters: Likely benign (1). 1 of the submissions does not count toward it. Last evaluated 2026-02-02.

Conditions:
AHR-related disorder. Also called: AHR-related condition.

Allele frequency attached by ClinVar (database versions not stated): gnomAD exomes 0.00064; ExAC 0.00086; ESP Exome Variant Server 0.00246; 1000 Genomes Project 0.00280; TOPMed 0.00301; 1000 Genomes Project 30x 0.00406.
gnomAD v4.1: 833 of 1,614,204 alleles (0.052%); highest among the groups gnomAD compares: African/African-American, 0.98%; 5 homozygotes.

Submissions (2):

Labcorp Genetics (formerly Invitae), Labcorp
Classification: Likely benign. Last evaluated: 2026-02-02. Review status: criteria provided, single submitter. Criteria: Invitae Variant Classification Sherloc (09022015). Collection method: clinical testing. Allele origin: germline.

PreventionGenetics, part of Exact Sciences
Classification: Benign for AHR-related condition. Last evaluated: 2019-11-06. Review status: no assertion criteria provided. Collection method: clinical testing. Allele origin: germline. Not counted in ClinVar's aggregate classification.
Comment: This variant is classified as benign based on ACMG/AMP sequence variant interpretation guidelines (Richards et al. 2015 PMID: 25741868, with internal and published modifications).